The following is an entry in ClinVar:

NM_000059.4(BRCA2):c.3497del (p.Val1166fs)

Gene: BRCA2 (BRCA2 DNA repair associated; plus strand). Cytogenetic location: 13q13.1.
Variant type: Deletion.
Coding change: c.3497del on transcript NM_000059.4 (MANE Select); coding-DNA position 3497, one base deleted (T; older notation c.3497delT).
Protein change: p.Val1166fs; shifts the reading frame from valine 1166.
Molecular consequence: frameshift variant.
Genome position (GRCh38, 1-based): chr13:32,337,852, T deleted. VCF-style (leftmost placement, unchanged base first): chr13-32337851-GT-G. GRCh37 (hg19) VCF-style: chr13-32911988-GT-G.
Other names: 3725delT; short protein forms V1166fs.
Identifiers: ClinVar variation 266754 (VCV000266754.10), dbSNP rs886040478, ClinGen allele CA10589206.
Genomic context (GRCh38, chr13:32,337,851, plus strand): 5'-GAAAACCAGATGACTATCTTAAAGACCACTTCTGAGGAATGCAGAGATGCTGATCTTCAT[GT>G]CATAATGAATGCCCCATCGATTGGTCAGGTAGACAGCAGCAAGCAATTTGAAGGTACAGT-3'

ClinVar aggregate classification (germline): Pathogenic. Review status: reviewed by expert panel (3 of 4 stars). 4 submissions from 4 submitters: Pathogenic (1). 3 of the submissions do not count toward it. Last evaluated 2016-10-18.

Conditions:
Hereditary breast ovarian cancer syndrome. Also called: Hereditary breast and ovarian cancer; Hereditary breast and ovarian cancer syndrome (HBOC); Hereditary breast and/or ovarian cancer syndrome; Breast and ovarian cancer; Hereditary breast and ovarian cancer syndrome; BRCA1- and BRCA2-Associated Hereditary Breast and Ovarian Cancer. Identifiers: Orphanet 145, MedGen C0677776, MeSH D061325, MONDO:0003582. Disease mechanism: loss of function.
Breast-ovarian cancer, familial, susceptibility to, 2 (BROVCA2). Also called: BRCA2 Hereditary Breast and Ovarian Cancer. Identifiers: Orphanet 145, MedGen C2675520, MONDO:0012933, OMIM 612555. Disease mechanism: loss of function.

Submissions (4):

Evidence-based Network for the Interpretation of Germline Mutant Alleles (ENIGMA)
Classification: Pathogenic for Breast-ovarian cancer, familial, susceptibility to, 2. Last evaluated: 2016-10-18. Review status: reviewed by expert panel. Criteria: ENIGMA BRCA1/2 Classification Criteria (2015). Collection method: curation. Allele origin: germline.
Comment: Variant allele predicted to encode a truncated non-functional protein.

Labcorp Genetics (formerly Invitae), Labcorp
Classification: Pathogenic for Hereditary breast ovarian cancer syndrome. Last evaluated: 2025-05-02. Review status: criteria provided, single submitter. Criteria: Invitae Variant Classification Sherloc (09022015). Collection method: clinical testing. Allele origin: germline. Not counted in ClinVar's aggregate classification.
Comment: This sequence change creates a premature translational stop signal (p.Val1166Alafs*2) in the BRCA2 gene. It is expected to result in an absent or disrupted protein product. Loss-of-function variants in BRCA2 are known to be pathogenic (PMID: 20104584). This variant is not present in population databases (gnomAD no frequency). This variant has not been reported in the literature in individuals affected with BRCA2-related conditions. ClinVar contains an entry for this variant (Variation ID: 266754). For these reasons, this variant has been classified as Pathogenic.

Quest Diagnostics Nichols Institute San Juan Capistrano
Classification: Pathogenic. Last evaluated: 2019-03-04. Review status: criteria provided, single submitter. Criteria: Quest Diagnostics criteria. Collection method: clinical testing. Allele origin: germline. Not counted in ClinVar's aggregate classification.
Comment: The variant results in a shift of the reading frame, and is therefore predicted to result in the loss of a functional protein. Found in at least one symptomatic patient, and not found in general population data.

Consortium of Investigators of Modifiers of BRCA1/2 (CIMBA), c/o University of Cambridge
Classification: Pathogenic for Breast-ovarian cancer, familial, susceptibility to, 2. Last evaluated: 2015-10-02. Review status: criteria provided, single submitter. Criteria: CIMBA Mutation Classification guidelines May 2016. Collection method: clinical testing. Allele origin: germline. Not counted in ClinVar's aggregate classification.

Literature cited by the submitters: PubMed 20104584 (cited by Labcorp Genetics (formerly Invitae), Labcorp).